The following is an entry in ClinVar:

NM_152443.3(RDH12):c.148G>A (p.Gly50Ser)

Genes: GPHN (gephyrin; plus strand), RDH12 (retinol dehydrogenase 12; plus strand). Cytogenetic location: 14q24.1.
Variant type: single nucleotide variant.
Coding change: c.148G>A on transcript NM_152443.3 (MANE Select); coding-DNA position 148, G replaced by A.
Protein change: p.Gly50Ser; replaces glycine 50 with serine.
Molecular consequence: missense variant.
Genome position (GRCh38, 1-based): chr14:67,724,552, G>A. VCF-style: chr14-67724552-G-A. GRCh37 (hg19) VCF-style: chr14-68191269-G-A.
Other names: short protein forms G50S.
Identifiers: ClinVar variation 1213888 (VCV001213888.8), dbSNP rs2140141345, ClinGen allele CA390148105.

ClinVar aggregate classification (germline): Conflicting classifications of pathogenicity. Review status: criteria provided, conflicting classifications (1 of 4 stars). 4 submissions from 4 submitters: Likely pathogenic (3); Uncertain significance (1). Last evaluated 2025-09-08.

Conditions:
Leber congenital amaurosis 13 (LCA13). Identifiers: MedGen C2675186, MONDO:0012990, OMIM 612712.
Retinitis pigmentosa (RP). Identifiers: Orphanet 791, MedGen C0035334, MeSH D012174, MONDO:0019200, OMIM 268000. Inheritance: Autosomal dominant, autosomal recessive and X linked inheritance.

Allele frequency attached by ClinVar (database versions not stated): gnomAD exomes below 0.00001.
gnomAD v4.1: 1 of 1,613,984 alleles (0.000062%); highest among the groups gnomAD compares: Admixed American, 0.0017%; no homozygotes.

Submissions (4):

Labcorp Genetics (formerly Invitae), Labcorp
Classification: Likely pathogenic for Leber congenital amaurosis 13. Last evaluated: 2025-09-08. Review status: criteria provided, single submitter. Criteria: Invitae Variant Classification Sherloc (09022015). Collection method: clinical testing. Allele origin: germline.
Comment: This sequence change replaces glycine, which is neutral and non-polar, with serine, which is neutral and polar, at codon 50 of the RDH12 protein (p.Gly50Ser). This variant is not present in population databases (gnomAD no frequency). This missense change has been observed in individual(s) with autosomal recessive retinitis pigmentosa and/or RDH12-related conditions (PMID: 31054281, 35994252, 36729443, 37217489; internal data). In at least one individual the data is consistent with being in trans (on the opposite chromosome) from a pathogenic variant. ClinVar contains an entry for this variant (Variation ID: 1213888). Invitae Evidence Modeling of protein sequence and biophysical properties (such as structural, functional, and spatial information, amino acid conservation, physicochemical variation, residue mobility, and thermodynamic stability) indicates that this missense variant is expected to disrupt RDH12 protein function with a positive predictive value of 80%. In summary, the currently available evidence indicates that the variant is pathogenic, but additional data are needed to prove that conclusively. Therefore, this variant has been classified as Likely Pathogenic.

Fulgent Genetics
Classification: Likely pathogenic for Leber congenital amaurosis 13. Last evaluated: 2024-02-12. Review status: criteria provided, single submitter. Criteria: ACMG Guidelines, 2015. Collection method: clinical testing. Allele origin: germline.

Blueprint Genetics
Classification: Uncertain significance. Last evaluated: 2021-10-15. Review status: criteria provided, single submitter. Criteria: ACMG Guidelines, 2015. Collection method: clinical testing. Allele origin: germline.

DBGen Ocular Genomics
Classification: Likely pathogenic for Retinitis pigmentosa. Last evaluated: 2021-06-21. Review status: criteria provided, single submitter. Criteria: ACMG Guidelines, 2015. Collection method: clinical testing. Allele origin: germline. Affected: yes. Observed: 3 variant alleles.

Literature cited by the submitters: PubMed 31054281 (cited by Labcorp Genetics (formerly Invitae), Labcorp); PubMed 35994252 (cited by Labcorp Genetics (formerly Invitae), Labcorp); PubMed 36729443 (cited by Labcorp Genetics (formerly Invitae), Labcorp); PubMed 37217489 (cited by Labcorp Genetics (formerly Invitae), Labcorp).